The following is an entry in ClinVar:

NM_182961.4(SYNE1):c.8325C>A (p.His2775Gln)

Gene: SYNE1 (spectrin repeat containing nuclear envelope protein 1; minus strand). Cytogenetic location: 6q25.2.
Variant type: single nucleotide variant.
Coding change: c.8325C>A on transcript NM_182961.4 (MANE Select); coding-DNA position 8325, C replaced by A.
Protein change: p.His2775Gln; replaces histidine 2775 with glutamine.
Molecular consequence: missense variant.
Genome position (GRCh38, 1-based): chr6:152,387,234, G>T on the plus strand (C>A on the coding strand, the complement: SYNE1 is on the minus strand). VCF-style: chr6-152387234-G-T. GRCh37 (hg19) VCF-style: chr6-152708369-G-T.
Other names: c.8346C>A, p.His2782Gln (NM_033071.5); short protein forms H2775Q, H2782Q.
Identifiers: ClinVar variation 1422072 (VCV001422072.8), dbSNP rs770073509, ClinGen allele CA150238523.

ClinVar aggregate classification (germline): Uncertain significance (1 of 4 stars; one submission).

Conditions:
Emery-Dreifuss muscular dystrophy 4, autosomal dominant (EDMD4). Also called: EMERY-DREIFUSS MUSCULAR DYSTROPHY 4 WITH VARIABLE FEATURES. Identifiers: Orphanet 261, MedGen C2751807, MONDO:0013071, OMIM 612998.
Autosomal recessive ataxia, Beauce type. Also called: Spinocerebellar ataxia, autosomal recessive 8; ATAXIA, RECESSIVE, OF BEAUCE; SYNE1 Deficiency; SYNE1-Related Autosomal Recessive Cerebellar Ataxia. Identifiers: Orphanet 88644, MedGen C1853116, MONDO:0012549, OMIM 610743.

Allele frequency attached by ClinVar (database versions not stated): gnomAD exomes 0.00002.
gnomAD v4.1: 14 of 1,614,168 alleles (0.00087%); highest among the groups gnomAD compares: Non-Finnish European, 0.0012%; no homozygotes.

Submission:

Labcorp Genetics (formerly Invitae), Labcorp
Classification: Uncertain significance for Emery-Dreifuss muscular dystrophy 4, autosomal dominant; Autosomal recessive ataxia, Beauce type. Last evaluated: 2021-03-10. Review status: criteria provided, single submitter. Criteria: Invitae Variant Classification Sherloc (09022015). Collection method: clinical testing. Allele origin: germline.
Comment: This sequence change replaces histidine with glutamine at codon 2782 of the SYNE1 protein (p.His2782Gln). The histidine residue is moderately conserved and there is a small physicochemical difference between histidine and glutamine. This variant is not present in population databases (ExAC no frequency). This variant has not been reported in the literature in individuals with SYNE1-related conditions. Algorithms developed to predict the effect of missense changes on protein structure and function (SIFT, PolyPhen-2, Align-GVGD) all suggest that this variant is likely to be tolerated, but these predictions have not been confirmed by published functional studies and their clinical significance is uncertain. In summary, the available evidence is currently insufficient to determine the role of this variant in disease. Therefore, it has been classified as a Variant of Uncertain Significance.